The following is an entry in ClinVar:

ClinVar aggregate classification (germline): Uncertain significance (1 of 4 stars; one submission).

Submission:

Ambry Genetics
Classification: Uncertain significance. Last evaluated: 2025-03-14. Review status: criteria provided, single submitter. Criteria: Ambry Variant Classification Scheme 2023. Collection method: clinical testing. Allele origin: germline.
Comment: The p.A253S variant (also known as c.757G>T), located in coding exon 8 of the A2ML1 gene, results from a G to T substitution at nucleotide position 757. The alanine at codon 253 is replaced by serine, an amino acid with similar properties. This amino acid position is conserved. In addition, this alteration is predicted to be tolerated by in silico analysis. Based on the available evidence, the clinical significance of this variant remains unclear.

NM_144670.6(A2ML1):c.757G>T (p.Ala253Ser)

Gene: A2ML1 (alpha-2-macroglobulin like 1; plus strand). Cytogenetic location: 12p13.31.
Variant type: single nucleotide variant.
Coding change: c.757G>T on transcript NM_144670.6 (MANE Select); coding-DNA position 757, G replaced by T.
Protein change: p.Ala253Ser; replaces alanine 253 with serine.
Molecular consequence: missense variant.
Genome position (GRCh38, 1-based): chr12:8,837,468, G>T. VCF-style: chr12-8837468-G-T. GRCh37 (hg19) VCF-style: chr12-8990064-G-T.
Other names: short protein forms A253S.
Identifiers: ClinVar variation 3857633 (VCV003857633.1).